The following is an entry in ClinVar:

NM_001109878.2(TBX22):c.176-13C>A

Gene: TBX22 (T-box transcription factor 22). Cytogenetic location: Xq21.1.
Variant type: single nucleotide variant.
Coding change: c.176-13C>A on transcript NM_001109878.2 (MANE Select); 13 bases into the intron before coding-DNA position 176, C replaced by A.
Molecular consequence: intron variant.
Genome position (GRCh38, 1-based): chrX:80,023,047, C>A. VCF-style: chrX-80023047-C-A. GRCh37 (hg19) VCF-style: chrX-79278546-C-A.
Other names: c.-181-13C>A (NM_001109879.2); c.176-13C>A (NM_016954.2).
Identifiers: ClinVar variation 445911 (VCV000445911.33), dbSNP rs55760411, ClinGen allele CA10461188.
Genomic context (GRCh38, chrX:80,023,047, plus strand): 5'-AGGCACCAGCGAGAAGTGGGCATGTGAACTGTGACGCTCTCTCAAACCCTGAGCGCCTTT[C>A]TGTGTCCAGCAGAAAAACAACCTAAGACAGAGCCCTCAACATCTGCTTCCTCTGGCTGCG-3'

ClinVar aggregate classification (germline): Benign/Likely benign. Review status: criteria provided, multiple submitters, no conflicts (2 of 4 stars). 6 submissions from 6 submitters: Benign (1); Likely benign (4). 1 of the submissions does not count toward it. Last evaluated 2026-07-01.

Conditions:
TBX22-related disorder. Also called: TBX22-related condition.
Cleft palate with or without ankyloglossia, X-linked. Identifiers: Orphanet 324601, MedGen C1844830, MONDO:0010560, OMIM 303400.

Allele frequency attached by ClinVar (database versions not stated): gnomAD exomes 0.00653 and 0.00445; 1000 Genomes Project 0.00291; 1000 Genomes Project 30x 0.00312; TOPMed 0.00360; ESP Exome Variant Server 0.00388; gnomAD 0.00444 and 0.00447; ExAC 0.00511.

Submissions (6):

CeGaT Center for Human Genetics Tuebingen
Classification: Likely benign. Last evaluated: 2026-07-01. Review status: criteria provided, single submitter. Criteria: CeGaT Center For Human Genetics Tuebingen Variant Classification Criteria Version 2. Collection method: clinical testing. Allele origin: germline. Affected: yes. Observed: 13 variant alleles.
Comment: TBX22: BS1

Blueprint Genetics
Classification: Likely benign. Last evaluated: 2024-11-28. Review status: criteria provided, single submitter. Criteria: ACMG Guidelines, 2015. Collection method: clinical testing. Allele origin: germline.

Mendelics
Classification: Benign for Cleft palate with or without ankyloglossia, X-linked. Last evaluated: 2019-05-28. Review status: criteria provided, single submitter. Criteria: Mendelics Assertion Criteria 2017. Collection method: clinical testing. Allele origin: unknown.

Center for Pediatric Genomic Medicine, Children's Mercy Hospital and Clinics
Classification: Likely benign. Last evaluated: 2017-08-18. Review status: criteria provided, single submitter. Criteria: ACMG Guidelines, 2015. Collection method: clinical testing. Allele origin: germline.

Illumina Laboratory Services, Illumina
Classification: Likely benign for Cleft palate with or without ankyloglossia, X-linked. Last evaluated: 2017-04-27. Review status: criteria provided, single submitter. Criteria: ICSL Variant Classification Criteria 13 December 2019. Collection method: clinical testing. Allele origin: germline.
Comment: This variant was observed as part of a predisposition screen in an ostensibly healthy population. A literature search was performed for the gene, cDNA change, and amino acid change (where applicable). Publications were found based on this search. The evidence from the literature, in combination with allele frequency data from public databases where available, was sufficient to determine this variant is unlikely to cause disease. Therefore, this variant is classified as likely benign.

PreventionGenetics, part of Exact Sciences
Classification: Likely benign for TBX22-related condition. Last evaluated: 2020-06-12. Review status: no assertion criteria provided. Collection method: clinical testing. Allele origin: germline. Not counted in ClinVar's aggregate classification.
Comment: This variant is classified as likely benign based on ACMG/AMP sequence variant interpretation guidelines (Richards et al. 2015 PMID: 25741868, with internal and published modifications).

Literature cited by the submitters: PubMed 14729838 (cited by Illumina Laboratory Services, Illumina).